The following is an entry in ClinVar:

NM_001244008.2(KIF1A):c.3419A>G (p.Lys1140Arg)

Gene: KIF1A (kinesin family member 1A; minus strand). Cytogenetic location: 2q37.3.
Variant type: single nucleotide variant.
Coding change: c.3419A>G on transcript NM_001244008.2 (MANE Select); coding-DNA position 3419, A replaced by G.
Protein change: p.Lys1140Arg; replaces lysine 1140 with arginine.
Molecular consequence: missense variant.
Genome position (GRCh38, 1-based): chr2:240,745,473, T>C on the plus strand (A>G on the coding strand, the complement: KIF1A is on the minus strand). VCF-style: chr2-240745473-T-C. GRCh37 (hg19) VCF-style: chr2-241684890-T-C.
Other names: c.3143A>G, p.Lys1048Arg (NM_001320705.2, NM_001330289.2, NM_001379638.1); c.3218A>G, p.Lys1073Arg (NM_001330290.2, NM_001379634.1, NM_001379635.1 and 1 more transcripts); c.3494A>G, p.Lys1165Arg (NM_001379631.1); c.3368A>G, p.Lys1123Arg (NM_001379632.1); c.3392A>G, p.Lys1131Arg (NM_001379633.1, NM_001379642.1, NM_001379645.1); c.3116A>G, p.Lys1039Arg (NM_001379636.1, NM_001379639.1, NM_001379641.1 and 5 more transcripts); c.3191A>G, p.Lys1064Arg (NM_001379637.1, NM_001379648.1); c.3113A>G, p.Lys1038Arg (NM_001379640.1); short protein forms K1038R, K1039R, K1048R, K1064R, K1073R, K1123R, K1131R, K1140R.
Identifiers: ClinVar variation 5017795 (VCV005017795.1).
Genomic context (GRCh38, chr2:240,745,473, plus strand): 5'-GCCCAGGAACGTACGTTCTGGACGTGGTAGAAGCCAAGTGGGGGGCCTCTGCCTGTGTTC[T>C]TCAGGGGCTCTGTGGAGAAGGCCTCGTCGTGGCGGTGGATGAAGCTGCAAAGCAGAGGAG-3'
Protein context (NP_001230937.1, residues 1130-1150): HDEAFSTEPL[Lys1140Arg]NTGRGPPLGF

ClinVar aggregate classification (germline): Uncertain significance (1 of 4 stars; one submission).

Submission:

GeneDx
Classification: Uncertain significance. Last evaluated: 2026-04-04. Review status: criteria provided, single submitter. Criteria: GeneDx Variant Classification Process June 2021. Collection method: clinical testing. Allele origin: germline.
Comment: Not observed at significant frequency in large population cohorts (gnomAD); In silico analysis supports that this missense variant has a deleterious effect on protein structure/function; Has not been previously published as pathogenic or benign to our knowledge